The following is an entry in ClinVar:

ClinVar aggregate classification (germline): Conflicting classifications of pathogenicity. Review status: criteria provided, conflicting classifications (1 of 4 stars). 2 submissions from 2 submitters: Uncertain significance (1); Likely benign (1). Last evaluated 2023-04-20.

Conditions:
Mitochondrial complex I deficiency, nuclear type 1. Also called: NADH-COENZYME Q REDUCTASE DEFICIENCY; MITOCHONDRIAL NADH DEHYDROGENASE COMPONENT OF COMPLEX I, DEFICIENCY OF. Identifiers: MedGen C6022305, MONDO:0100224, OMIM 252010.

Allele frequency attached by ClinVar (database versions not stated): TOPMed 0.00001; ExAC 0.00002; gnomAD exomes 0.00002 and below 0.00001.
gnomAD v4.1: 3 of 1,612,866 alleles (0.00019%); highest among the groups gnomAD compares: Non-Finnish European, 0.00017%; no homozygotes.

Submissions (2):

Ambry Genetics
Classification: Likely benign. Last evaluated: 2023-04-20. Review status: criteria provided, single submitter. Criteria: Ambry Variant Classification Scheme 2023. Collection method: clinical testing. Allele origin: germline.

Baylor Genetics
Classification: Uncertain significance for Mitochondrial complex I deficiency, nuclear type 1. Last evaluated: 2018-01-25. Review status: criteria provided, single submitter. Criteria: ACMG Guidelines, 2015. Collection method: clinical testing. Allele origin: maternal. Affected: yes.
Comment: This variant was determined to be of uncertain significance according to ACMG Guidelines, 2015 [PMID:25741868].

NM_016589.4(TIMMDC1):c.745A>G (p.Lys249Glu)

Gene: TIMMDC1 (translocase of inner mitochondrial membrane domain containing 1; plus strand). Cytogenetic location: 3q13.33.
Variant type: single nucleotide variant.
Coding change: c.745A>G on transcript NM_016589.4 (MANE Select); coding-DNA position 745, A replaced by G.
Protein change: p.Lys249Glu; replaces lysine 249 with glutamic acid.
Molecular consequence: missense variant.
Genome position (GRCh38, 1-based): chr3:119,523,643, A>G. VCF-style: chr3-119523643-A-G. GRCh37 (hg19) VCF-style: chr3-119242490-A-G.
Other names: short protein forms K249E.
Identifiers: ClinVar variation 1033831 (VCV001033831.3), dbSNP rs779953541, ClinGen allele CA2555371.